The following is an entry in ClinVar:

ClinVar aggregate classification (germline): Uncertain significance (1 of 4 stars; one submission).

Conditions:
Neutral lipid storage myopathy (NLSDM). Also called: NEUTRAL LIPID STORAGE DISEASE WITHOUT ICHTHYOSIS. Identifiers: Orphanet 98908, MedGen C1853136, MONDO:0012545, OMIM 610717.

Allele frequency attached by ClinVar (database versions not stated): gnomAD exomes below 0.00001; ExAC 0.00001.
gnomAD v4.1: 1 of 1,614,036 alleles (0.000062%); highest among the groups gnomAD compares: Non-Finnish European, 0.000085%; no homozygotes.

Submission:

Labcorp Genetics (formerly Invitae), Labcorp
Classification: Uncertain significance for Neutral lipid storage myopathy. Last evaluated: 2022-05-03. Review status: criteria provided, single submitter. Criteria: Invitae Variant Classification Sherloc (09022015). Collection method: clinical testing. Allele origin: germline.
Comment: This variant has not been reported in the literature in individuals affected with PNPLA2-related conditions. This variant is present in population databases (rs745381506, gnomAD 0.0009%). This sequence change replaces isoleucine, which is neutral and non-polar, with threonine, which is neutral and polar, at codon 193 of the PNPLA2 protein (p.Ile193Thr). Algorithms developed to predict the effect of missense changes on protein structure and function (SIFT, PolyPhen-2, Align-GVGD) all suggest that this variant is likely to be disruptive. In summary, the available evidence is currently insufficient to determine the role of this variant in disease. Therefore, it has been classified as a Variant of Uncertain Significance. Algorithms developed to predict the effect of sequence changes on RNA splicing suggest that this variant may disrupt the consensus splice site.

NM_020376.4(PNPLA2):c.578T>C (p.Ile193Thr)

Gene: PNPLA2 (patatin like domain 2, triacylglycerol lipase; plus strand). Cytogenetic location: 11p15.5.
Variant type: single nucleotide variant.
Coding change: c.578T>C on transcript NM_020376.4 (MANE Select); coding-DNA position 578, T replaced by C.
Protein change: p.Ile193Thr; replaces isoleucine 193 with threonine.
Molecular consequence: missense variant.
Genome position (GRCh38, 1-based): chr11:822,488, T>C. VCF-style: chr11-822488-T-C. GRCh37 (hg19) VCF-style: chr11-822488-T-C.
Other names: short protein forms I193T.
Identifiers: ClinVar variation 2133070 (VCV002133070.4), dbSNP rs745381506, ClinGen allele CA5791054.